The following is an entry in ClinVar:

NM_173354.5(SIK1):c.392G>C (p.Trp131Ser)

Gene: SIK1 (salt inducible kinase 1; minus strand). Cytogenetic location: 21q22.3.
Variant type: single nucleotide variant.
Coding change: c.392G>C on transcript NM_173354.5 (MANE Select); coding-DNA position 392, G replaced by C.
Protein change: p.Trp131Ser; replaces tryptophan 131 with serine.
Molecular consequence: missense variant.
Genome position (GRCh38, 1-based): chr21:43,421,745, C>G on the plus strand (G>C on the coding strand, the complement: SIK1 is on the minus strand). VCF-style: chr21-43421745-C-G. GRCh37 (hg19) VCF-style: chr21-44841625-C-G.
Other names: short protein forms W131S.
Identifiers: ClinVar variation 3000770 (VCV003000770.3), dbSNP rs2516967783, ClinGen allele CA410610309.
Genomic context (GRCh38, chr21:43,421,745, plus strand): 5'-TTGAGGTCCCGGTGGACGATGTGATGGTCGTGACAGTACTCCACGGCCGACAGGATTTGC[C>G]AGAACTTCTTCCGCGCCTCGTTCTCACTCAGGTGCCCGTTGGAAGTCAAATAATCTGAGG-3'
Protein context (NP_775490.2, residues 121-141): LSENEARKKF[Trp131Ser]QILSAVEYCH

ClinVar aggregate classification (germline): Uncertain significance (1 of 4 stars; one submission).

Conditions:
Developmental and epileptic encephalopathy, 30 (DEE30). Also called: Epileptic encephalopathy, early infantile, 30. Identifiers: MedGen C4225360, MONDO:0014595, OMIM 616341.

Submission:

Labcorp Genetics (formerly Invitae), Labcorp
Classification: Uncertain significance for Developmental and epileptic encephalopathy, 30. Last evaluated: 2025-09-19. Review status: criteria provided, single submitter. Criteria: Invitae Variant Classification Sherloc (09022015). Collection method: clinical testing. Allele origin: germline.
Comment: This sequence change replaces tryptophan, which is neutral and slightly polar, with serine, which is neutral and polar, at codon 131 of the SIK1 protein (p.Trp131Ser). This variant is not present in population databases (gnomAD no frequency). This variant has not been reported in the literature in individuals affected with SIK1-related conditions. ClinVar contains an entry for this variant (Variation ID: 3000770). An algorithm developed to predict the effect of missense changes on protein structure and function (PolyPhen-2) suggests that this variant is likely to be tolerated. In summary, the available evidence is currently insufficient to determine the role of this variant in disease. Therefore, it has been classified as a Variant of Uncertain Significance.